The following is an entry in ClinVar:

ClinVar aggregate classification (germline): Conflicting classifications of pathogenicity. Review status: criteria provided, conflicting classifications (1 of 4 stars). 3 submissions from 3 submitters: Likely pathogenic (1); Uncertain significance (2). Last evaluated 2025-07-30.

Conditions:
Familial infantile myasthenia (CMS6). Also called: MYASTHENIC SYNDROME, CONGENITAL, 6, PRESYNAPTIC; Congenital myasthenic syndrome type 6; MYASTHENIC SYNDROME, PRESYNAPTIC, CONGENITAL, ASSOCIATED WITH EPISODIC APNEA. Identifiers: Orphanet 590, MedGen C0393929, MONDO:0009689, OMIM 254210.

Allele frequency attached by ClinVar (database versions not stated): gnomAD 0.00001; gnomAD exomes 0.00001; TOPMed 0.00001; ExAC 0.00002.
gnomAD v4.1: 12 of 1,613,772 alleles (0.00074%); highest among the groups gnomAD compares: South Asian, 0.0033%; no homozygotes.

Submissions (3):

Women's Health and Genetics/Laboratory Corporation of America, LabCorp
Classification: Uncertain significance. Last evaluated: 2025-07-30. Review status: criteria provided, single submitter. Criteria: LabCorp Variant Classification Summary - May 2015. Collection method: clinical testing. Allele origin: germline.
Comment: Variant summary: CHAT c.619C>T (p.Arg207Cys) results in a non-conservative amino acid change in the encoded protein sequence. Algorithms developed to predict the effect of missense changes on protein structure and function all suggest that this variant is likely to be disruptive. The variant allele was found at a frequency of 8e-06 in 251440 control chromosomes. The available data on variant occurrences in the general population are insufficient to allow any conclusion about variant significance. To our knowledge, no occurrence of c.619C>T in individuals affected with Congenital Myasthenic Syndrome and no experimental evidence demonstrating its impact on protein function have been reported. A different variant affecting the same codon has been classified as likely pathogenic/pathogenic by our lab (c.620G>A, &same_codon_pdot&), supporting the critical relevance of codon 207 to CHAT protein function. ClinVar contains an entry for this variant (Variation ID: 577871). Based on the evidence outlined above, the variant was classified as uncertain significance.

Labcorp Genetics (formerly Invitae), Labcorp
Classification: Uncertain significance for Familial infantile myasthenia. Last evaluated: 2021-12-08. Review status: criteria provided, single submitter. Criteria: Invitae Variant Classification Sherloc (09022015). Collection method: clinical testing. Allele origin: germline.
Comment: This sequence change replaces arginine, which is basic and polar, with cysteine, which is neutral and slightly polar, at codon 207 of the CHAT protein (p.Arg207Cys). This variant is present in population databases (rs760936252, gnomAD 0.003%). This variant has not been reported in the literature in individuals affected with CHAT-related conditions. ClinVar contains an entry for this variant (Variation ID: 577871). Advanced modeling of protein sequence and biophysical properties (such as structural, functional, and spatial information, amino acid conservation, physicochemical variation, residue mobility, and thermodynamic stability) performed at Invitae indicates that this missense variant is expected to disrupt CHAT protein function. In summary, the available evidence is currently insufficient to determine the role of this variant in disease. Therefore, it has been classified as a Variant of Uncertain Significance.

Kasturba Medical College, Manipal, Kasturba Medical College, Manipal, Manipal Academy of Higher Education, Manipal, India
Classification: Likely pathogenic for Familial infantile myasthenia. Review status: criteria provided, single submitter. Criteria: ACMG Guidelines, 2015. Collection method: research. Allele origin: biparental. Inheritance: Autosomal recessive inheritance. Affected: yes. Observed: 1 homozygote.
Comment: This variant is present in 12 individuals in heterozygous state in gnomAD population database (v4.1.0) and absent from our in-house exome data of 3356 individuals. The variant c.619C>T has been reported in ClinVar as uncertain significance by a single submitter (Variation ID: 577871). In silico tools (CADD_phred, Mutation Taster, ClinPred and REVEL) predict the variant to be disease-causing and affect the protein function. Different amino acid changes at the same position [p.Arg207His (Arredondo et al., 2015; ClinVar database: VCV000289944.21) and p.Arg207Gly (ClinVar database: VCV000806470.29)] have been reported as disease causing and associated with congenital myasthenic syndrome.

Literature cited by the submitters: PubMed 26080897 (cited by Kasturba Medical College, Manipal, Kasturba Medical College, Manipal, Manipal Academy of Higher Education, Manipal, India).

NM_020549.5(CHAT):c.619C>T (p.Arg207Cys)

Gene: CHAT (choline O-acetyltransferase; plus strand). Cytogenetic location: 10q11.23.
Variant type: single nucleotide variant.
Coding change: c.619C>T on transcript NM_020549.5 (MANE Select); coding-DNA position 619, C replaced by T.
Protein change: p.Arg207Cys; replaces arginine 207 with cysteine.
Molecular consequence: missense variant.
Genome position (GRCh38, 1-based): chr10:49,620,534, C>T. VCF-style: chr10-49620534-C-T. GRCh37 (hg19) VCF-style: chr10-50828580-C-T.
Other names: c.265C>T, p.Arg89Cys (NM_001142934.2, NM_020984.4, NM_020985.4 and 2 more transcripts); c.373C>T, p.Arg125Cys (NM_001142933.2); short protein forms R207C, R89C, R125C.
Identifiers: ClinVar variation 577871 (VCV000577871.7), dbSNP rs760936252, ClinGen allele CA5497202.
Genomic context (GRCh38, chr10:49,620,534, plus strand): 5'-CTTCCCTGCCCTCCCCGGCAGGTGTCTGAGTACTGGCTGAATGACATGTATCTCAACAAC[C>T]GCCTGGCCCTGCCTGTCAACTCCAGCCCTGCCGTGATCTTTGCTCGGCAGCACTTCCCTG-3'
Protein context (NP_065574.4, residues 197-217): YWLNDMYLNN[Arg207Cys]LALPVNSSPA